The following is an entry in ClinVar:

NM_015981.4(CAMK2A):c.857C>A (p.Thr286Asn)

Gene: CAMK2A (calcium/calmodulin dependent protein kinase II alpha; minus strand). Cytogenetic location: 5q32.
Variant type: single nucleotide variant.
Coding change: c.857C>A on transcript NM_015981.4 (MANE Select); coding-DNA position 857, C replaced by A.
Protein change: p.Thr286Asn; replaces threonine 286 with asparagine.
Molecular consequence: missense variant.
Genome position (GRCh38, 1-based): chr5:150,250,269, G>T on the plus strand (C>A on the coding strand, the complement: CAMK2A is on the minus strand). VCF-style: chr5-150250269-G-T. GRCh37 (hg19) VCF-style: chr5-149629832-G-T.
Other names: c.857C>A, p.Thr286Asn (NM_001363989.1, NM_001363990.1, NM_001369025.2 and 1 more transcripts); short protein forms T286N.
Identifiers: ClinVar variation 2662703 (VCV002662703.1), dbSNP rs2532310211, ClinGen allele CA361749373.

ClinVar aggregate classification (germline): Likely pathogenic (1 of 4 stars; one submission).

Submission:

GeneDx
Classification: Likely pathogenic. Last evaluated: 2023-10-04. Review status: criteria provided, single submitter. Criteria: GeneDx Variant Classification Process June 2021. Collection method: clinical testing. Allele origin: germline. Affected: yes.
Comment: Not observed at significant frequency in large population cohorts (gnomAD); In silico analysis supports that this missense variant has a deleterious effect on protein structure/function; Has not been previously published as pathogenic or benign to our knowledge